The following is an entry in ClinVar:

NM_017849.4(TMEM127):c.448G>C (p.Ala150Pro)

Gene: TMEM127 (transmembrane protein 127; minus strand). Cytogenetic location: 2q11.2.
Variant type: single nucleotide variant.
Coding change: c.448G>C on transcript NM_017849.4 (MANE Select); coding-DNA position 448, G replaced by C.
Protein change: p.Ala150Pro; replaces alanine 150 with proline.
Molecular consequence: missense variant.
Genome position (GRCh38, 1-based): chr2:96,254,077, C>G on the plus strand (G>C on the coding strand, the complement: TMEM127 is on the minus strand). VCF-style: chr2-96254077-C-G. GRCh37 (hg19) VCF-style: chr2-96919815-C-G.
Other names: c.448G>C, p.Ala150Pro (NM_001193304.3); c.196G>C, p.Ala66Pro (NM_001407282.1, NM_001407283.1); short protein forms A150P, A66P.
Identifiers: ClinVar variation 2496964 (VCV002496964.8), dbSNP rs1394209177, ClinGen allele CA347653000.

ClinVar aggregate classification (germline): Uncertain significance. Review status: criteria provided, multiple submitters, no conflicts (2 of 4 stars). 4 submissions from 4 submitters: Uncertain significance (3). 1 of the submissions does not count toward it. Last evaluated 2026-10-01.

Conditions:
Hereditary cancer-predisposing syndrome. Also called: Neoplastic Syndromes, Hereditary; Tumor predisposition; Hereditary Cancer Syndrome; Hereditary neoplastic syndrome. Identifiers: Orphanet 140162, MedGen C0027672, MeSH D009386, MONDO:0015356.
Hereditary pheochromocytoma and paraganglioma. Also called: Hereditary paragangliomas and pheochromocytomas; Hereditary Paraganglioma-Pheochromocytoma Syndromes; Hereditary pheochromocytoma-paraganglioma. Identifiers: Orphanet 29072, MedGen C4274332, MONDO:0017366.
Pheochromocytoma. Also called: MAX-Related Hereditary Paraganglioma-Pheochromocytoma Syndrome. Identifiers: Orphanet 29072, MedGen C0031511, MONDO:0008233, OMIM 171300, HP:0002666.
TMEM127-related disorder. Also called: TMEM127-related condition.

Allele frequency attached by ClinVar (database versions not stated): TOPMed below 0.00001.
gnomAD v4.1: 1 of 1,614,088 alleles (0.000062%); highest among the groups gnomAD compares: Non-Finnish European, 0.000085%; no homozygotes.

Submissions (4):

St. Jude Molecular Pathology, St. Jude Children's Research Hospital
Classification: Uncertain significance for Pheochromocytoma. Last evaluated: 2026-10-01. Review status: criteria provided, single submitter. Criteria: St. Jude Assertion Criteria 2020. Collection method: clinical testing. Allele origin: germline.
Comment: The TMEM127 c.448G>C p.(Ala150Pro) missense change is absent in gnomAD v2.1.1 . The in silico tool REVEL predicts a deleterious effect on protein function, but to our knowledge this prediction has not been confirmed by functional studies. To our knowledge, this variant has not been reported in the literature in individuals with pa raganglioma or pheochromocytoma. In summary, the evidence currently available is insufficient to determine the clinical significance of this variant. It has therefore been classified as of uncertain significance (VUS-Mid).

Labcorp Genetics (formerly Invitae), Labcorp
Classification: Uncertain significance for Hereditary pheochromocytoma and paraganglioma. Last evaluated: 2025-04-17. Review status: criteria provided, single submitter. Criteria: Invitae Variant Classification Sherloc (09022015). Collection method: clinical testing. Allele origin: germline.
Comment: This sequence change replaces alanine, which is neutral and non-polar, with proline, which is neutral and non-polar, at codon 150 of the TMEM127 protein (p.Ala150Pro). This variant is not present in population databases (gnomAD no frequency). This variant has not been reported in the literature in individuals affected with TMEM127-related conditions. ClinVar contains an entry for this variant (Variation ID: 2496964). An algorithm developed to predict the effect of missense changes on protein structure and function (PolyPhen-2) suggests that this variant is likely to be disruptive. In summary, the available evidence is currently insufficient to determine the role of this variant in disease. Therefore, it has been classified as a Variant of Uncertain Significance.

Ambry Genetics
Classification: Uncertain significance for Hereditary cancer-predisposing syndrome. Last evaluated: 2023-01-09. Review status: criteria provided, single submitter. Criteria: Ambry Variant Classification Scheme 2023. Collection method: clinical testing. Allele origin: germline.
Comment: The p.A150P variant (also known as c.448G>C), located in coding exon 3 of the TMEM127 gene, results from a G to C substitution at nucleotide position 448. The alanine at codon 150 is replaced by proline, an amino acid with highly similar properties. This amino acid position is highly conserved in available vertebrate species. In addition, this alteration is predicted to be deleterious by in silico analysis. Since supporting evidence is limited at this time, the clinical significance of this alteration remains unclear.

PreventionGenetics, part of Exact Sciences
Classification: Uncertain significance for TMEM127-related condition. Last evaluated: 2023-11-30. Review status: no assertion criteria provided. Collection method: clinical testing. Allele origin: germline. Not counted in ClinVar's aggregate classification.
Comment: The TMEM127 c.448G>C variant is predicted to result in the amino acid substitution p.Ala150Pro. To our knowledge, this variant has not been reported in the literature or in a large population database, indicating this variant is rare. It is interpreted as uncertain significance in ClinVar. At this time, the clinical significance of this variant is uncertain due to the absence of conclusive functional and genetic evidence.